The following is an entry in ClinVar:

ClinVar aggregate classification (germline): Uncertain significance (1 of 4 stars; one submission).

Conditions:
Muscular dystrophy-dystroglycanopathy type B6 (MDDGB6). Also called: MUSCULAR DYSTROPHY-DYSTROGLYCANOPATHY (CONGENITAL WITH IMPAIRED INTELLECTUAL DEVELOPMENT), TYPE B, 6; MUSCULAR DYSTROPHY, CONGENITAL, LARGE-RELATED; MUSCULAR DYSTROPHY, CONGENITAL, TYPE 1D. Identifiers: MedGen C1837229, MONDO:0012138, OMIM 608840.

Submission:

Labcorp Genetics (formerly Invitae), Labcorp
Classification: Uncertain significance for Muscular dystrophy-dystroglycanopathy type B6. Last evaluated: 2025-02-24. Review status: criteria provided, single submitter. Criteria: Invitae Variant Classification Sherloc (09022015). Collection method: clinical testing. Allele origin: germline.
Comment: This sequence change replaces methionine, which is neutral and non-polar, with lysine, which is basic and polar, at codon 190 of the LARGE1 protein (p.Met190Lys). This variant is not present in population databases (gnomAD no frequency). This variant has not been reported in the literature in individuals affected with LARGE1-related conditions. ClinVar contains an entry for this variant (Variation ID: 860660). Invitae Evidence Modeling of protein sequence and biophysical properties (such as structural, functional, and spatial information, amino acid conservation, physicochemical variation, residue mobility, and thermodynamic stability) indicates that this missense variant is not expected to disrupt LARGE1 protein function with a negative predictive value of 80%. In summary, the available evidence is currently insufficient to determine the role of this variant in disease. Therefore, it has been classified as a Variant of Uncertain Significance.

NM_133642.5(LARGE1):c.569T>A (p.Met190Lys)

Gene: LARGE1 (LARGE xylosyl- and glucuronyltransferase 1; minus strand). Cytogenetic location: 22q12.3.
Variant type: single nucleotide variant.
Coding change: c.569T>A on transcript NM_133642.5 (MANE Select); coding-DNA position 569, T replaced by A.
Protein change: p.Met190Lys; replaces methionine 190 with lysine.
Molecular consequence: missense variant.
Genome position (GRCh38, 1-based): chr22:33,604,481, A>T on the plus strand (T>A on the coding strand, the complement: LARGE1 is on the minus strand). VCF-style: chr22-33604481-A-T. GRCh37 (hg19) VCF-style: chr22-34000467-A-T.
Other names: c.569T>A, p.Met190Lys (NM_001362949.2, NM_001362951.2, NM_001362953.2 and 7 more transcripts); short protein forms M190K.
Identifiers: ClinVar variation 860660 (VCV000860660.6), dbSNP rs2079196838, ClinGen allele CA411546725.